The following is an entry in ClinVar:

ClinVar aggregate classification (germline): Pathogenic (1 of 4 stars; one submission).

Conditions:
Citrullinemia. Identifiers: Orphanet 187, MedGen C0175683, MONDO:0015991.

Submission:

Labcorp Genetics (formerly Invitae), Labcorp
Classification: Pathogenic for Citrullinemia. Last evaluated: 2023-11-27. Review status: criteria provided, single submitter. Criteria: Invitae Variant Classification Sherloc (09022015). Collection method: clinical testing. Allele origin: germline.
Comment: This sequence change creates a premature translational stop signal (p.Ala81Thrfs*3) in the ASS1 gene. It is expected to result in an absent or disrupted protein product. Loss-of-function variants in ASS1 are known to be pathogenic (PMID: 18473344, 19006241). This variant is not present in population databases (gnomAD no frequency). This variant has not been reported in the literature in individuals affected with ASS1-related conditions. For these reasons, this variant has been classified as Pathogenic.

Literature cited by the submitters: PubMed 18473344; PubMed 19006241.

NM_054012.4(ASS1):c.241_242del (p.Ala81fs)

Gene: ASS1 (argininosuccinate synthase 1; plus strand). Cytogenetic location: 9q34.11.
Variant type: Microsatellite.
Coding change: c.241_242del on transcript NM_054012.4 (MANE Select); coding-DNA positions 241 to 242, 2 bases deleted (GC; older notation c.241_242delGC).
Protein change: p.Ala81fs; shifts the reading frame from alanine 81.
Molecular consequence: frameshift variant.
Genome position (GRCh38, 1-based): chr9:130,458,467-130,458,468, GC deleted; deleting any 2 consecutive bases within chr9:130,458,465-130,458,468 gives the same sequence; the c. name uses the placement nearest the transcript's 3' end. VCF-style (leftmost placement, unchanged base first): chr9-130458464-AGC-A. GRCh37 (hg19) VCF-style: chr9-133333851-AGC-A.
Other names: c.241_242del, p.Ala81fs (NM_000050.4); short protein forms A81fs.
Identifiers: ClinVar variation 2699253 (VCV002699253.3), dbSNP rs2490531312, ClinGen allele CA2697558100.